The following is an entry in ClinVar:

NM_014232.3(VAMP2):c.85A>G (p.Asn29Asp)

Genes: VAMP2 (vesicle associated membrane protein 2; minus strand), LOC130060218 (ATAC-STARR-seq lymphoblastoid silent region 8166; plus strand). Cytogenetic location: 17p13.1.
Variant type: single nucleotide variant.
Coding change: c.85A>G on transcript NM_014232.3 (MANE Select); coding-DNA position 85, A replaced by G.
Protein change: p.Asn29Asp; replaces asparagine 29 with aspartic acid.
Molecular consequence: missense variant.
Genome position (GRCh38, 1-based): chr17:8,162,287, T>C on the plus strand (A>G on the coding strand, the complement: VAMP2 is on the minus strand). VCF-style: chr17-8162287-T-C. GRCh37 (hg19) VCF-style: chr17-8065605-T-C.
Other names: c.91A>G, p.Asn31Asp (NM_001330125.1); short protein forms N29D, N31D.
Identifiers: ClinVar variation 4075494 (VCV004075494.1).

ClinVar aggregate classification (germline): Uncertain significance (1 of 4 stars; one submission).

Submission:

GeneDx
Classification: Uncertain significance. Last evaluated: 2025-02-17. Review status: criteria provided, single submitter. Criteria: GeneDx Variant Classification Process June 2021. Collection method: clinical testing. Allele origin: germline. Affected: yes.
Comment: Not observed at significant frequency in large population cohorts (gnomAD); In silico analysis supports that this missense variant has a deleterious effect on protein structure/function; Has not been previously published as pathogenic or benign to our knowledge